The following is an entry in ClinVar:

ClinVar aggregate classification (germline): Uncertain significance. Review status: criteria provided, multiple submitters, no conflicts (2 of 4 stars). 7 submissions from 7 submitters: Uncertain significance (7). Last evaluated 2025-07-19.

Conditions:
LAMA2-related muscular dystrophy (LAMA2-RD). Also called: Laminin alpha 2-related dystrophy. Identifiers: MedGen C5679788, MONDO:0100228.
Merosin deficient congenital muscular dystrophy (MDC1A). Also called: Congenital merosin-deficient muscular dystrophy 1A; Congenital Muscular Dystrophy Type 1A (MDC1A). Identifiers: Orphanet 258, MedGen C1263858, MONDO:0011925, OMIM 607855.
Muscular dystrophy, limb-girdle, autosomal recessive 23. Identifiers: Orphanet 565837, MedGen C4748327, MONDO:0029136, OMIM 618138.

Allele frequency attached by ClinVar (database versions not stated): gnomAD 0.00004; TOPMed 0.00006; 1000 Genomes Project 30x 0.00031.
gnomAD v4.1: 240 of 1,613,246 alleles (0.015%); highest among the groups gnomAD compares: Non-Finnish European, 0.02%; no homozygotes.

Submissions (7):

GeneDx
Classification: Uncertain significance. Last evaluated: 2025-07-19. Review status: criteria provided, single submitter. Criteria: GeneDx Variant Classification Process June 2021. Collection method: clinical testing. Allele origin: germline. Affected: yes.
Comment: Reported previously in an individual with colon and skin cancer; however, this variant was classified as a variant of uncertain significance with the LAMA2 gene considered a candidate gene for inherited cancer (PMID: 29212164); In silico analysis suggests that this missense variant does not alter protein structure/function; Not observed at significant frequency in large population cohorts (gnomAD); This variant is associated with the following publications: (PMID: 29212164, 31983221)

Labcorp Genetics (formerly Invitae), Labcorp
Classification: Uncertain significance for LAMA2-related muscular dystrophy. Last evaluated: 2024-11-04. Review status: criteria provided, single submitter. Criteria: Invitae Variant Classification Sherloc (09022015). Collection method: clinical testing. Allele origin: germline.
Comment: This sequence change replaces glutamic acid, which is acidic and polar, with lysine, which is basic and polar, at codon 1684 of the LAMA2 protein (p.Glu1684Lys). This variant is present in population databases (rs201632009, gnomAD 0.01%). This variant has not been reported in the literature in individuals affected with LAMA2-related conditions. ClinVar contains an entry for this variant (Variation ID: 649508). Invitae Evidence Modeling of protein sequence and biophysical properties (such as structural, functional, and spatial information, amino acid conservation, physicochemical variation, residue mobility, and thermodynamic stability) indicates that this missense variant is not expected to disrupt LAMA2 protein function with a negative predictive value of 95%. In summary, the available evidence is currently insufficient to determine the role of this variant in disease. Therefore, it has been classified as a Variant of Uncertain Significance.

Women's Health and Genetics/Laboratory Corporation of America, LabCorp
Classification: Uncertain significance. Last evaluated: 2024-08-19. Review status: criteria provided, single submitter. Criteria: LabCorp Variant Classification Summary - May 2015. Collection method: clinical testing. Allele origin: germline.
Comment: Variant summary: LAMA2 c.5050G>A (p.Glu1684Lys) results in a conservative amino acid change in the encoded protein sequence. Five of five in-silico tools predict a benign effect of the variant on protein function. The variant allele was found at a frequency of 5.6e-05 in 249346 control chromosomes. This frequency is not significantly higher than estimated for a pathogenic variant in LAMA2 causing Laminin Alpha 2-Related Dystrophy (5.6e-05 vs 0.0022), allowing no conclusion about variant significance. To our knowledge, no occurrence of c.5050G>A in individuals affected with Laminin Alpha 2-Related Dystrophy and no experimental evidence demonstrating its impact on protein function have been reported. ClinVar contains an entry for this variant (Variation ID: 649508). Based on the evidence outlined above, the variant was classified as uncertain significance.

Fulgent Genetics
Classification: Uncertain significance for Merosin deficient congenital muscular dystrophy; Muscular dystrophy, limb-girdle, autosomal recessive 23. Last evaluated: 2022-03-22. Review status: criteria provided, single submitter. Criteria: ACMG Guidelines, 2015. Collection method: clinical testing. Allele origin: unknown.

Revvity Omics, Revvity
Classification: Uncertain significance. Last evaluated: 2021-04-30. Review status: criteria provided, single submitter. Criteria: ACMG Guidelines, 2015. Collection method: clinical testing. Allele origin: germline.

Mayo Clinic Laboratories, Mayo Clinic
Classification: Uncertain significance. Last evaluated: 2019-11-25. Review status: criteria provided, single submitter. Criteria: ACMG Guidelines, 2015. Collection method: clinical testing. Allele origin: germline. Observed: 1 variant allele.

Athena Diagnostics
Classification: Uncertain significance. Last evaluated: 2019-10-23. Review status: criteria provided, single submitter. Criteria: Athena Diagnostics Criteria. Collection method: clinical testing. Allele origin: unknown.

Literature cited by the submitters: PubMed 29212164 (cited by Athena Diagnostics).

NM_000426.4(LAMA2):c.5050G>A (p.Glu1684Lys)

Gene: LAMA2 (laminin subunit alpha 2; plus strand). Cytogenetic location: 6q22.33.
Variant type: single nucleotide variant.
Coding change: c.5050G>A on transcript NM_000426.4 (MANE Select); coding-DNA position 5050, G replaced by A.
Protein change: p.Glu1684Lys; replaces glutamic acid 1684 with lysine.
Molecular consequence: missense variant.
Genome position (GRCh38, 1-based): chr6:129,383,212, G>A. VCF-style: chr6-129383212-G-A. GRCh37 (hg19) VCF-style: chr6-129704357-G-A.
Other names: c.5050G>A, p.Glu1684Lys (NM_001079823.2); short protein forms E1684K.
Identifiers: ClinVar variation 649508 (VCV000649508.20), dbSNP rs201632009, ClinGen allele CA3993755.
Genomic context (GRCh38, chr6:129,383,212, plus strand): 5'-ACCGGACAGGATGCTGAGAGGACCAACACAAGAGCAAAGTCCCTGGGAGAATTCATTAAG[G>A]AGCTTGCCCGGGATGCAGAAGGTATTAGAAAGAATCACATTTTAATCATCATTTCTCCCA-3'
Protein context (NP_000417.3, residues 1674-1694): RAKSLGEFIK[Glu1684Lys]LARDAEAVNE